The following is an entry in ClinVar:

NM_031942.5(CDCA7):c.845A>T (p.Asp282Val)

Gene: CDCA7 (cell division cycle associated 7; plus strand). Cytogenetic location: 2q31.1.
Variant type: single nucleotide variant.
Coding change: c.845A>T on transcript NM_031942.5 (MANE Select); coding-DNA position 845, A replaced by T.
Protein change: p.Asp282Val; replaces aspartic acid 282 with valine.
Molecular consequence: missense variant.
Genome position (GRCh38, 1-based): chr2:173,364,940, A>T. VCF-style: chr2-173364940-A-T. GRCh37 (hg19) VCF-style: chr2-174229668-A-T.
Other names: c.608A>T, p.Asp203Val (NM_145810.3); short protein forms D282V, D203V.
Identifiers: ClinVar variation 2080266 (VCV002080266.1), dbSNP rs777100041, ClinGen allele CA1971352.

ClinVar aggregate classification (germline): Uncertain significance (1 of 4 stars; one submission).

Allele frequency attached by ClinVar (database versions not stated): gnomAD exomes below 0.00001; ExAC 0.00001.
gnomAD v4.1: 6 of 1,607,416 alleles (0.00037%); highest among the groups gnomAD compares: East Asian, 0.0022%; no homozygotes.

Submission:

Labcorp Genetics (formerly Invitae), Labcorp
Classification: Uncertain significance. Last evaluated: 2022-02-09. Review status: criteria provided, single submitter. Criteria: Invitae Variant Classification Sherloc (09022015). Collection method: clinical testing. Allele origin: germline.
Comment: This sequence change replaces aspartic acid, which is acidic and polar, with valine, which is neutral and non-polar, at codon 282 of the CDCA7 protein (p.Asp282Val). This variant is present in population databases (rs777100041, gnomAD 0.006%). This variant has not been reported in the literature in individuals affected with CDCA7-related conditions. Algorithms developed to predict the effect of missense changes on protein structure and function (SIFT, PolyPhen-2, Align-GVGD) all suggest that this variant is likely to be disruptive. Algorithms developed to predict the effect of sequence changes on RNA splicing suggest that this variant may create or strengthen a splice site. In summary, the available evidence is currently insufficient to determine the role of this variant in disease. Therefore, it has been classified as a Variant of Uncertain Significance.